The following is an entry in ClinVar:

NM_172107.4(KCNQ2):c.737C>T (p.Ala246Val)

Gene: KCNQ2 (potassium voltage-gated channel subfamily Q member 2; minus strand). Cytogenetic location: 20q13.33.
Variant type: single nucleotide variant.
Coding change: c.737C>T on transcript NM_172107.4 (MANE Select); coding-DNA position 737, C replaced by T.
Protein change: p.Ala246Val; replaces alanine 246 with valine.
Molecular consequence: missense variant.
Genome position (GRCh38, 1-based): chr20:63,442,485, G>A on the plus strand (C>T on the coding strand, the complement: KCNQ2 is on the minus strand). VCF-style: chr20-63442485-G-A. GRCh37 (hg19) VCF-style: chr20-62073838-G-A.
Other names: c.737C>T, p.Ala246Val (NM_001382235.1, NM_004518.6, NM_172106.3 and 2 more transcripts); short protein forms A246V.
Identifiers: ClinVar variation 3014015 (VCV003014015.3), dbSNP rs2516447652, ClinGen allele CA409653947.

ClinVar aggregate classification (germline): Pathogenic (1 of 4 stars; one submission).

Conditions:
Early-infantile DEE. Also called: Early infantile epileptic encephalopathy; Ohtahara syndrome; Early infantile epileptic encephalopathy with suppression bursts. Identifiers: Orphanet 1934, MedGen C0393706, MONDO:0800491.

Submission:

Labcorp Genetics (formerly Invitae), Labcorp
Classification: Pathogenic for Early-infantile DEE. Last evaluated: 2025-07-28. Review status: criteria provided, single submitter. Criteria: Invitae Variant Classification Sherloc (09022015). Collection method: clinical testing. Allele origin: germline.
Comment: This sequence change replaces alanine, which is neutral and non-polar, with valine, which is neutral and non-polar, at codon 246 of the KCNQ2 protein (p.Ala246Val). This variant is not present in population databases (gnomAD no frequency). This missense change has been observed in individual(s) with clinical features of KCNQ2-related conditions (internal data). In at least one individual the variant was observed to be de novo. ClinVar contains an entry for this variant (Variation ID: 3014015). Invitae Evidence Modeling of protein sequence and biophysical properties (such as structural, functional, and spatial information, amino acid conservation, physicochemical variation, residue mobility, and thermodynamic stability) indicates that this missense variant is expected to disrupt KCNQ2 protein function with a positive predictive value of 95%. This variant disrupts the p.Ala246 amino acid residue in KCNQ2. Other variant(s) that disrupt this residue have been observed in individuals with KCNQ2-related conditions (PMID: 27779742), which suggests that this may be a clinically significant amino acid residue. For these reasons, this variant has been classified as Pathogenic.

Literature cited by the submitters: PubMed 27779742.